The following is an entry in ClinVar:

NM_005045.4(RELN):c.8438C>A (p.Thr2813Asn)

Genes: SLC26A5-AS1 (SLC26A5 antisense RNA 1; plus strand), RELN (reelin; minus strand). Cytogenetic location: 7q22.1.
Variant type: single nucleotide variant.
Coding change: c.8438C>A on transcript NM_005045.4 (MANE Select); coding-DNA position 8438, C replaced by A.
Protein change: p.Thr2813Asn; replaces threonine 2813 with asparagine.
Molecular consequence: missense variant.
Genome position (GRCh38, 1-based): chr7:103,503,067, G>T on the plus strand (C>A on the coding strand, the complement: RELN is on the minus strand). VCF-style: chr7-103503067-G-T. GRCh37 (hg19) VCF-style: chr7-103143514-G-T.
Other names: c.8438C>A, p.Thr2813Asn (NM_173054.3); short protein forms T2813N.
Identifiers: ClinVar variation 2933686 (VCV002933686.3), dbSNP rs2484714885, ClinGen allele CA368756850.
Genomic context (GRCh38, chr7:103,503,067, plus strand): 5'-TCTACTTACTTTCCCACTAAGCTTTCAGGAAGTGGGTAGGTGATCCTTTTCCACCCTTTA[G>T]TTGGAAAGAATACAGATGGCTGAGAAACACTTCCAGAGCATTTTGGGTCAGCAGGCAAGC-3'
Protein context (NP_005036.2, residues 2803-2823): SVSQPSVFFP[Thr2813Asn]KGWKRITYPL

ClinVar aggregate classification (germline): Uncertain significance (1 of 4 stars; one submission).

Conditions:
Norman-Roberts syndrome (LIS2). Also called: Lissencephaly 2 (Norman-Roberts type). Identifiers: Orphanet 89844, MedGen C0796089, MONDO:0009760, OMIM 257320.
Familial temporal lobe epilepsy 7. Identifiers: Orphanet 101046, MedGen C4225327, MONDO:0014639, OMIM 616436.

gnomAD v4.1: 1 of 1,614,132 alleles (0.000062%); highest among the groups gnomAD compares: Admixed American, 0.0017%; no homozygotes.

Submission:

Labcorp Genetics (formerly Invitae), Labcorp
Classification: Uncertain significance for Familial temporal lobe epilepsy 7; Norman-Roberts syndrome. Last evaluated: 2023-03-13. Review status: criteria provided, single submitter. Criteria: Invitae Variant Classification Sherloc (09022015). Collection method: clinical testing. Allele origin: germline.
Comment: This variant has not been reported in the literature in individuals affected with RELN-related conditions. In summary, the available evidence is currently insufficient to determine the role of this variant in disease. Therefore, it has been classified as a Variant of Uncertain Significance. Advanced modeling of protein sequence and biophysical properties (such as structural, functional, and spatial information, amino acid conservation, physicochemical variation, residue mobility, and thermodynamic stability) performed at Invitae indicates that this missense variant is not expected to disrupt RELN protein function. This variant is not present in population databases (gnomAD no frequency). This sequence change replaces threonine, which is neutral and polar, with asparagine, which is neutral and polar, at codon 2813 of the RELN protein (p.Thr2813Asn).